The following is an entry in ClinVar:

ClinVar aggregate classification (germline): Uncertain significance (1 of 4 stars; one submission).

Conditions:
Early-infantile DEE. Also called: Early infantile epileptic encephalopathy; Ohtahara syndrome; Early infantile epileptic encephalopathy with suppression bursts. Identifiers: Orphanet 1934, MedGen C0393706, MONDO:0800491.

Allele frequency attached by ClinVar (database versions not stated): gnomAD 0.00001; ExAC 0.00006; TOPMed below 0.00001; gnomAD exomes below 0.00001.
gnomAD v4.1: 3 of 1,609,516 alleles (0.00019%); highest among the groups gnomAD compares: Non-Finnish European, 0.00025%; no homozygotes.

Submission:

Labcorp Genetics (formerly Invitae), Labcorp
Classification: Uncertain significance for Early-infantile DEE. Last evaluated: 2023-05-25. Review status: criteria provided, single submitter. Criteria: Invitae Variant Classification Sherloc (09022015). Collection method: clinical testing. Allele origin: germline.
Comment: This variant has not been reported in the literature in individuals affected with SCN8A-related conditions. This sequence change replaces methionine, which is neutral and non-polar, with isoleucine, which is neutral and non-polar, at codon 340 of the SCN8A protein (p.Met340Ile). This variant is present in population databases (rs770066284, gnomAD 0.004%). Advanced modeling of protein sequence and biophysical properties (such as structural, functional, and spatial information, amino acid conservation, physicochemical variation, residue mobility, and thermodynamic stability) performed at Invitae indicates that this missense variant is not expected to disrupt SCN8A protein function. In summary, the available evidence is currently insufficient to determine the role of this variant in disease. Therefore, it has been classified as a Variant of Uncertain Significance.

NM_001330260.2(SCN8A):c.1020G>A (p.Met340Ile)

Gene: SCN8A (sodium voltage-gated channel alpha subunit 8; plus strand). Cytogenetic location: 12q13.13.
Variant type: single nucleotide variant.
Coding change: c.1020G>A on transcript NM_001330260.2 (MANE Select); coding-DNA position 1020, G replaced by A.
Protein change: p.Met340Ile; replaces methionine 340 with isoleucine.
Molecular consequence: missense variant.
Genome position (GRCh38, 1-based): chr12:51,702,800, G>A. VCF-style: chr12-51702800-G-A. GRCh37 (hg19) VCF-style: chr12-52096584-G-A.
Other names: c.1020G>A, p.Met340Ile (NM_001177984.3, NM_001369788.1, NM_014191.4); short protein forms M340I.
Identifiers: ClinVar variation 2966162 (VCV002966162.3), dbSNP rs770066284, ClinGen allele CA6571199.